The following is an entry in ClinVar:

NM_001365951.3(KIF1B):c.616G>A (p.Ala206Thr)

Gene: KIF1B (kinesin family member 1B; plus strand). Cytogenetic location: 1p36.22.
Variant type: single nucleotide variant.
Coding change: c.616G>A on transcript NM_001365951.3 (MANE Select); coding-DNA position 616, G replaced by A.
Protein change: p.Ala206Thr; replaces alanine 206 with threonine.
Molecular consequence: missense variant.
Genome position (GRCh38, 1-based): chr1:10,268,159, G>A. VCF-style: chr1-10268159-G-A. GRCh37 (hg19) VCF-style: chr1-10328217-G-A.
Other names: c.616G>A, p.Ala206Thr (NM_001365952.1, NM_001365953.1, NM_015074.3 and 1 more transcripts); short protein forms A206T.
Identifiers: ClinVar variation 4043046 (VCV004043046.1).
Genomic context (GRCh38, chr1:10,268,159, plus strand): 5'-CAACTCTCATCTAAGAATTCCCTTGTCACGTGGTCACCTTTATGTTTATTTAGGACAGTG[G>A]CAGCTACAAACATGAATGAAACAAGTAGCCGTTCCCACGCTGTGTTTACGATTGTTTTCA-3'
Protein context (NP_001352880.1, residues 196-216): MDAGNKARTV[Ala206Thr]ATNMNETSSR

ClinVar aggregate classification (germline): Uncertain significance (1 of 4 stars; one submission).

Submission:

Ambry Genetics
Classification: Uncertain significance. Last evaluated: 2025-05-31. Review status: criteria provided, single submitter. Criteria: Ambry Variant Classification Scheme 2023. Collection method: clinical testing. Allele origin: germline.
Comment: The p.A206T variant (also known as c.616G>A), located in coding exon 6 of the KIF1B gene, results from a G to A substitution at nucleotide position 616. The alanine at codon 206 is replaced by threonine, an amino acid with similar properties. This amino acid position is conserved. In addition, this alteration is predicted to be deleterious by in silico analysis. Based on the available evidence, the clinical significance of this variant remains unclear.